The following is an entry in ClinVar:

ClinVar aggregate classification (germline): Conflicting classifications of pathogenicity. Review status: criteria provided, conflicting classifications (1 of 4 stars). 3 submissions from 3 submitters: Uncertain significance (1); Likely benign (2). Last evaluated 2026-06-05.

Conditions:
Growth hormone insensitivity with immune dysregulation 1, autosomal recessive. Also called: GROWTH HORMONE INSENSITIVITY SYNDROME WITH IMMUNE DYSREGULATION 1, AUTOSOMAL RECESSIVE; Laron syndrome with immunodeficiency; LARON SYNDROME DUE TO POSTRECEPTOR DEFECT; GROWTH HORMONE INSENSITIVITY DUE TO POSTRECEPTOR DEFECT. Identifiers: Orphanet 220465, MedGen C5435698, MONDO:0100211, OMIM 245590.

Allele frequency attached by ClinVar (database versions not stated): 1000 Genomes Project 30x 0.00047; ESP Exome Variant Server 0.00069; gnomAD 0.00082 and 0.00077; 1000 Genomes Project 0.00040; gnomAD exomes 0.00007 and 0.00021; ExAC 0.00030; TOPMed 0.00070.

Submissions (3):

Women's Health and Genetics/Laboratory Corporation of America, LabCorp
Classification: Likely benign. Last evaluated: 2026-06-05. Review status: criteria provided, single submitter. Criteria: LabCorp Variant Classification Summary - May 2015. Collection method: clinical testing. Allele origin: germline.
Comment: Variant summary: STAT5B c.429G>C (p.Gln143His) results in a non-conservative amino acid change in the encoded protein sequence. Algorithms developed to predict the effect of missense changes on protein structure and function are either unavailable or do not agree on the potential impact of this missense change. The variant allele was found at a frequency of 0.00021 in 251488 control chromosomes, predominantly at a frequency of 0.0024 within the African or African-American subpopulation in the gnomAD database. The observed variant frequency within African or African-American control individuals in the gnomAD database exceeds the estimated maximal expected allele frequency for disease-causing variants in STAT5B. To our knowledge, no occurrence of c.429G>C in individuals affected with STAT5B-related conditions and no experimental evidence demonstrating its impact on protein function have been reported. ClinVar contains an entry for this variant (Variation ID: 534581). Based on the evidence outlined above, the variant was classified as likely benign.

Labcorp Genetics (formerly Invitae), Labcorp
Classification: Likely benign for Growth hormone insensitivity with immune dysregulation 1, autosomal recessive. Last evaluated: 2026-01-24. Review status: criteria provided, single submitter. Criteria: Invitae Variant Classification Sherloc (09022015). Collection method: clinical testing. Allele origin: germline.

Eurofins Ntd Llc (ga)
Classification: Uncertain significance. Last evaluated: 2018-01-26. Review status: criteria provided, single submitter. Criteria: EGL Classification Definitions 2015. Collection method: clinical testing. Allele origin: germline. Observed: 1 variant allele, 1 heterozygote.

NM_012448.4(STAT5B):c.429G>C (p.Gln143His)

Gene: STAT5B (signal transducer and activator of transcription 5B; minus strand). Cytogenetic location: 17q21.2.
Variant type: single nucleotide variant.
Coding change: c.429G>C on transcript NM_012448.4 (MANE Select); coding-DNA position 429, G replaced by C.
Protein change: p.Gln143His; replaces glutamine 143 with histidine.
Molecular consequence: missense variant.
Genome position (GRCh38, 1-based): chr17:42,223,503, C>G on the plus strand (G>C on the coding strand, the complement: STAT5B is on the minus strand). VCF-style: chr17-42223503-C-G. GRCh37 (hg19) VCF-style: chr17-40375521-C-G.
Other names: short protein forms Q143H.
Identifiers: ClinVar variation 534581 (VCV000534581.17), dbSNP rs148793995, ClinGen allele CA8574278.
Genomic context (GRCh38, chr17:42,223,503, plus strand): 5'-TTTTAACTCATTCTCTGTGTCCTGCGTGACCAGTCGCAGCTCCTCAAACGTCTGGTTGAT[C>G]TGGAGGTGTTTCTGGGACATGGCATCAGCAAGGCTTCCAGCTGGAGAGCTACCCTGGGAA-3'
Protein context (NP_036580.2, residues 133-153): LADAMSQKHL[Gln143His]INQTFEELRL